The following is an entry in ClinVar:

ClinVar aggregate classification (germline): Uncertain significance (0 of 4 stars; one submission).

Conditions:
HTR2C-related disorder. Also called: HTR2C-related condition.

gnomAD v4.1: 1 of 1,207,629 alleles (0.000083%); highest among the groups gnomAD compares: Non-Finnish European, 0.00011%; no homozygotes.

Submission:

PreventionGenetics, part of Exact Sciences
Classification: Uncertain significance for HTR2C-related condition. Last evaluated: 2024-03-25. Review status: no assertion criteria provided. Collection method: clinical testing. Allele origin: germline.
Comment: The HTR2C c.205G>A variant is predicted to result in the amino acid substitution p.Gly69Ser. To our knowledge, this variant has not been reported in the literature or in a large population database, indicating this variant is rare. At this time, the clinical significance of this variant is uncertain due to the absence of conclusive functional and genetic evidence.

NM_000868.4(HTR2C):c.205G>A (p.Gly69Ser)

Gene: HTR2C (5-hydroxytryptamine receptor 2C; plus strand). Cytogenetic location: Xq23.
Variant type: single nucleotide variant.
Coding change: c.205G>A on transcript NM_000868.4 (MANE Select); coding-DNA position 205, G replaced by A.
Protein change: p.Gly69Ser; replaces glycine 69 with serine.
Molecular consequence: missense variant.
Genome position (GRCh38, 1-based): chrX:114,731,463, G>A. VCF-style: chrX-114731463-G-A. GRCh37 (hg19) VCF-style: chrX-113965872-G-A.
Other names: c.205G>A, p.Gly69Ser (NM_001256760.3, NM_001256761.3); short protein forms G69S.
Identifiers: ClinVar variation 3355696 (VCV003355696.1).